The following is an entry in ClinVar:

NM_182914.3(SYNE2):c.12903C>T (p.Gly4301=)

Gene: SYNE2 (spectrin repeat containing nuclear envelope protein 2; plus strand). Cytogenetic location: 14q23.2.
Variant type: single nucleotide variant.
Coding change: c.12903C>T on transcript NM_182914.3 (MANE Select); coding-DNA position 12903, C replaced by T.
Protein change: p.Gly4301=; no amino-acid change (glycine 4301 retained).
Molecular consequence: synonymous variant.
Genome position (GRCh38, 1-based): chr14:64,119,489, C>T. VCF-style: chr14-64119489-C-T. GRCh37 (hg19) VCF-style: chr14-64586207-C-T.
Other names: c.12903C>T, p.Gly4301= (NM_015180.6).
Identifiers: ClinVar variation 282502 (VCV000282502.40), dbSNP rs148708516, ClinGen allele CA7222282.

ClinVar aggregate classification (germline): Conflicting classifications of pathogenicity. Review status: criteria provided, conflicting classifications (1 of 4 stars). 5 submissions from 5 submitters: Uncertain significance (1); Benign (1); Likely benign (3). Last evaluated 2026-01-19.

Conditions:
Emery-Dreifuss muscular dystrophy 5, autosomal dominant (EDMD5). Also called: EMERY-DREIFUSS MUSCULAR DYSTROPHY 5. Identifiers: Orphanet 261, MedGen C2751805, MONDO:0013072, OMIM 612999.

Allele frequency attached by ClinVar (database versions not stated): TOPMed 0.00020; gnomAD 0.00021 and 0.00025; ESP Exome Variant Server 0.00023; gnomAD exomes 0.00029 and 0.00041; ExAC 0.00040.
gnomAD v4.1: 455 of 1,614,156 alleles (0.028%); highest among the groups gnomAD compares: Middle Eastern, 0.59%; 1 homozygote.

Submissions (5):

Labcorp Genetics (formerly Invitae), Labcorp
Classification: Likely benign for Emery-Dreifuss muscular dystrophy 5, autosomal dominant. Last evaluated: 2026-01-19. Review status: criteria provided, single submitter. Criteria: Invitae Variant Classification Sherloc (09022015). Collection method: clinical testing. Allele origin: germline.

Athena Diagnostics
Classification: Benign. Last evaluated: 2025-03-25. Review status: criteria provided, single submitter. Criteria: Athena Diagnostics Criteria. Collection method: clinical testing. Allele origin: unknown.
Comment: The frequency of this variant in the general population is higher than would generally be expected for pathogenic variants in this gene. Computational tools yielded predictions that this variant is unlikely to have an effect on normal RNA splicing. This nucleotide position exhibits low evolutionary conservation.

CeGaT Center for Human Genetics Tuebingen
Classification: Likely benign. Last evaluated: 2025-03-01. Review status: criteria provided, single submitter. Criteria: CeGaT Center For Human Genetics Tuebingen Variant Classification Criteria Version 2. Collection method: clinical testing. Allele origin: germline. Affected: yes. Observed: 3 variant alleles.
Comment: SYNE2: BP4, BP7

Blueprint Genetics
Classification: Likely benign. Last evaluated: 2024-09-03. Review status: criteria provided, single submitter. Criteria: ACMG Guidelines, 2015. Collection method: clinical testing. Allele origin: germline.

Eurofins Ntd Llc (ga)
Classification: Uncertain significance. Last evaluated: 2015-08-28. Review status: criteria provided, single submitter. Criteria: EGL Classification Definitions 2015. Collection method: clinical testing. Allele origin: germline. Observed: 1 variant allele, 1 heterozygote.